The following is an entry in ClinVar:

NM_198428.3(BBS9):c.678A>G (p.Lys226=)

Gene: BBS9 (Bardet-Biedl syndrome 9; plus strand). Cytogenetic location: 7p14.3.
Variant type: single nucleotide variant.
Coding change: c.678A>G on transcript NM_198428.3 (MANE Select); coding-DNA position 678, A replaced by G.
Protein change: p.Lys226=; no amino-acid change (lysine 226 retained).
Molecular consequence: synonymous variant. On other transcripts: non-coding transcript variant (3).
Genome position (GRCh38, 1-based): chr7:33,264,350, A>G. VCF-style: chr7-33264350-A-G. GRCh37 (hg19) VCF-style: chr7-33303962-A-G.
Other names: c.405A>G, p.Lys135= (NM_001348038.3, NM_001348039.3); c.678A>G, p.Lys226= (NM_001348040.3, NM_001348041.4, NM_001348043.3 and 5 more transcripts); c.543A>G, p.Lys181= (NM_001348042.3); c.312A>G, p.Lys104= (NM_001348044.3, NM_001348045.3, NM_001348046.3 and 1 more transcripts).
Identifiers: ClinVar variation 462972 (VCV000462972.18), dbSNP rs201231133, ClinGen allele CA4214071.

ClinVar aggregate classification (germline): Benign/Likely benign. Review status: criteria provided, multiple submitters, no conflicts (2 of 4 stars). 5 submissions from 5 submitters: Benign (1); Likely benign (4). Last evaluated 2026-07-01.

Conditions:
Bardet-Biedl syndrome (BBS). Identifiers: Orphanet 110, MedGen C0752166, MONDO:0015229.
Bardet-Biedl syndrome 9 (BBS9). Identifiers: Orphanet 110, MedGen C1859567, MONDO:0014437, OMIM 615986.

Allele frequency attached by ClinVar (database versions not stated): gnomAD 0.00009; gnomAD exomes 0.00014 and 0.00081; 1000 Genomes Project 30x 0.00016; 1000 Genomes Project 0.00020; TOPMed 0.00035; ExAC 0.00065.
gnomAD v4.1: 214 of 1,581,476 alleles (0.014%); highest among the groups gnomAD compares: Admixed American, 0.35%; 3 homozygotes.

Submissions (5):

CeGaT Center for Human Genetics Tuebingen
Classification: Likely benign. Last evaluated: 2026-07-01. Review status: criteria provided, single submitter. Criteria: CeGaT Center For Human Genetics Tuebingen Variant Classification Criteria Version 2. Collection method: clinical testing. Allele origin: germline. Affected: yes. Observed: 1 variant allele.
Comment: BBS9: BP4, BP7

Labcorp Genetics (formerly Invitae), Labcorp
Classification: Benign for Bardet-Biedl syndrome. Last evaluated: 2026-01-26. Review status: criteria provided, single submitter. Criteria: Invitae Variant Classification Sherloc (09022015). Collection method: clinical testing. Allele origin: germline.

Blueprint Genetics
Classification: Likely benign. Last evaluated: 2024-03-15. Review status: criteria provided, single submitter. Criteria: ACMG Guidelines, 2015. Collection method: clinical testing. Allele origin: germline.

Fulgent Genetics
Classification: Likely benign for Bardet-Biedl syndrome 9. Last evaluated: 2021-09-10. Review status: criteria provided, single submitter. Criteria: ACMG Guidelines, 2015. Collection method: clinical testing. Allele origin: unknown.

Illumina Laboratory Services, Illumina
Classification: Likely benign for Bardet-Biedl syndrome 9. Last evaluated: 2018-01-13. Review status: criteria provided, single submitter. Criteria: ICSL Variant Classification Criteria 13 December 2019. Collection method: clinical testing. Allele origin: germline.
Comment: This variant was observed in the ICSL laboratory as part of a predisposition screen in an ostensibly healthy population. It had not been previously curated by ICSL or reported in the Human Gene Mutation Database (HGMD: prior to June 1st, 2018), and was therefore a candidate for classification through an automated scoring system. Utilizing variant allele frequency, disease prevalence and penetrance estimates, and inheritance mode, an automated score was calculated to assess if this variant is too frequent to cause the disease. Based on the score and internal cut-off values, a variant classified as likely benign is not then subjected to further curation. The score for this variant resulted in a classification of likely benign for this disease.